The following is an entry in ClinVar:

ClinVar aggregate classification (germline): Uncertain significance (1 of 4 stars; one submission).

Conditions:
Familial cancer of breast. Also called: hereditary breast carcinoma; BREAST CANCER, FAMILIAL; Hereditary breast cancer. Identifiers: Orphanet 227535, MedGen C0346153, MONDO:0016419, OMIM 114480. Disease mechanism: loss of function.

Submission:

Labcorp Genetics (formerly Invitae), Labcorp
Classification: Uncertain significance for Familial cancer of breast. Last evaluated: 2023-09-12. Review status: criteria provided, single submitter. Criteria: Invitae Variant Classification Sherloc (09022015). Collection method: clinical testing. Allele origin: germline.
Comment: In summary, the available evidence is currently insufficient to determine the role of this variant in disease. Therefore, it has been classified as a Variant of Uncertain Significance. An algorithm developed to predict the effect of missense changes on protein structure and function (PolyPhen-2) suggests that this variant is likely to be disruptive. ClinVar contains an entry for this variant (Variation ID: 2125362). This variant has not been reported in the literature in individuals affected with PALB2-related conditions. This variant is not present in population databases (gnomAD no frequency). This sequence change replaces arginine, which is basic and polar, with serine, which is neutral and polar, at codon 1117 of the PALB2 protein (p.Arg1117Ser).

NM_024675.4(PALB2):c.3351G>C (p.Arg1117Ser)

Gene: PALB2 (partner and localizer of BRCA2; minus strand). Cytogenetic location: 16p12.2.
Variant type: single nucleotide variant.
Coding change: c.3351G>C on transcript NM_024675.4 (MANE Select); coding-DNA position 3351, G replaced by C.
Protein change: p.Arg1117Ser; replaces arginine 1117 with serine.
Molecular consequence: missense variant.
Genome position (GRCh38, 1-based): chr16:23,603,669, C>G on the plus strand (G>C on the coding strand, the complement: PALB2 is on the minus strand). VCF-style: chr16-23603669-C-G. GRCh37 (hg19) VCF-style: chr16-23614990-C-G.
Other names: c.3291G>C, p.Arg1097Ser (NM_001407296.1); c.3279G>C, p.Arg1093Ser (NM_001407297.1); c.3189G>C, p.Arg1063Ser (NM_001407298.1); c.3114G>C, p.Trp1038Cys (NM_001407299.1); c.3072G>C, p.Arg1024Ser (NM_001407300.1); c.3202G>C, p.Val1068Leu (NM_001407301.1); c.3040G>C, p.Val1014Leu (NM_001407302.1); c.2466G>C, p.Arg822Ser (NM_001407304.1, NM_001407305.1, NM_001407306.1); and 6 more; short protein forms R1024S, R1063S, R1117S, R521S, R768S, V773L, W1038C, R1093S.
Identifiers: ClinVar variation 2125362 (VCV002125362.4), dbSNP rs1966406887, ClinGen allele CA395138426.